The following is an entry in ClinVar:

ClinVar aggregate classification (germline): Likely pathogenic (1 of 4 stars; one submission).

Conditions:
Dilated cardiomyopathy 1G (CMD1G). Identifiers: Orphanet 154, MedGen C1858763, MONDO:0011400, OMIM 604145.
Autosomal recessive limb-girdle muscular dystrophy type 2J (LGMDR10). Also called: Limb-girdle muscular dystrophy, type 2J; MUSCULAR DYSTROPHY, LIMB-GIRDLE, AUTOSOMAL RECESSIVE 10. Identifiers: Orphanet 140922, MedGen C1837342, MONDO:0012127, OMIM 608807.

Submission:

Labcorp Genetics (formerly Invitae), Labcorp
Classification: Likely pathogenic for Dilated cardiomyopathy 1G; Autosomal recessive limb-girdle muscular dystrophy type 2J. Last evaluated: 2024-10-18. Review status: criteria provided, single submitter. Criteria: Invitae Variant Classification Sherloc (09022015). Collection method: clinical testing. Allele origin: germline.
Comment: This sequence change creates a premature translational stop signal (p.Ala11217Leufs*127) in the TTN gene. While this is not anticipated to result in nonsense mediated decay, it is expected to create a truncated TTN protein. This variant is not present in population databases (gnomAD no frequency). This variant has not been reported in the literature in individuals affected with TTN-related conditions. ClinVar contains an entry for this variant (Variation ID: 1986537). This variant is located in the I band of TTN (PMID: 25589632). Truncating variants in this region have been reported in individuals affected with autosomal recessive centronuclear myopathy (PMID: 23975875, internal data). Truncating variants in this region have also been identified in individuals affected with autosomal dominant dilated cardiomyopathy and/or cardio-related conditions (PMID: 27869827, 32964742, internal data). In summary, the currently available evidence indicates that the variant is pathogenic, but additional data are needed to prove that conclusively. Therefore, this variant has been classified as Likely Pathogenic.

Literature cited by the submitters: PubMed 25589632; PubMed 23975875; PubMed 27869827; PubMed 32964742.

NM_001267550.2(TTN):c.33648del (p.Ala11217fs)

Gene: TTN (titin; minus strand). Cytogenetic location: 2q31.2.
Variant type: Deletion.
Coding change: c.33648del on transcript NM_001267550.2 (MANE Select); coding-DNA position 33648, one base deleted (A; older notation c.33648delA).
Protein change: p.Ala11217fs; shifts the reading frame from alanine 11217.
Molecular consequence: frameshift variant. On other transcripts: intron variant (3).
Genome position (GRCh38, 1-based): chr2:178,679,615, T deleted on the plus strand (A on the coding strand, the reverse complement: TTN is on the minus strand); the first of 2 consecutive T bases (chr2:178,679,615-178,679,616); deleting either gives the same sequence. VCF-style (leftmost placement, unchanged base first): chr2-178679614-CT-C. GRCh37 (hg19) VCF-style: chr2-179544341-CT-C.
Other names: c.32697del, p.Ala10900fs (NM_001256850.1); c.29916del, p.Ala9973fs (NM_133378.4); c.13283-37298del (NM_003319.4); c.13859-37298del (NM_133437.4); c.13658-37298del (NM_133432.3); short protein forms A10900fs, A11217fs, A9973fs.
Identifiers: ClinVar variation 1986537 (VCV001986537.4), dbSNP rs2473897094, ClinGen allele CA2580065015.